The following is an entry in ClinVar:

ClinVar aggregate classification (germline): Uncertain significance (1 of 4 stars; one submission).

Conditions:
Cardiac malformation, cleft lip/palate, microcephaly, and digital anomalies. Also called: CLEFT PALATE, CARDIAC DEFECTS, AND IMPAIRED INTELLECTUAL DEVELOPMENT. Identifiers: MedGen C1832950, MONDO:0010970, OMIM 600987.

Submission:

Dr. med. U. Finckh, Human Genetics, Eurofins MVZ
Classification: Uncertain significance for Cardiac malformation, cleft lip/palate, microcephaly, and digital anomalies. Last evaluated: 2021-12-16. Review status: criteria provided, single submitter. Criteria: ACMG Guidelines, 2015. Collection method: clinical testing. Allele origin: germline. Observed: 3 heterozygotes.
Comment: The variant is not present in gnomAD. It is predicted to disrupt the splice acceptor of the last exon of MEIS2 or shift it 8bps downstream. Pathogenic disruptive MEIS2 variants until now only have been described far upstream. The last exon is does not seem to be highly conserved across species. There may also be shorter transcripts that are not affected by the variant. As expressivity might be variable for MEIS2-associated conditions, a causal role however cannot be excluded with certainty.

NM_170675.5(MEIS2):c.1148-1G>T

Gene: MEIS2 (Meis homeobox 2; minus strand). Cytogenetic location: 15q14.
Variant type: single nucleotide variant.
Coding change: c.1148-1G>T on transcript NM_170675.5 (MANE Select); the canonical splice acceptor site of the intron before coding-DNA position 1148, G replaced by T.
Molecular consequence: splice acceptor variant.
Genome position (GRCh38, 1-based): chr15:36,892,460, C>A on the plus strand (G>T on the coding strand, the complement: MEIS2 is on the minus strand). VCF-style: chr15-36892460-C-A. GRCh37 (hg19) VCF-style: chr15-37184661-C-A.
Other names: c.*38-1G>T (NM_002399.4, NM_170674.5, NM_170677.5 and 2 more transcripts); c.1127-1G>T (NM_001220482.2, NM_170676.5).
Identifiers: ClinVar variation 2581030 (VCV002581030.1), dbSNP rs2504226286, ClinGen allele CA391926427.